The following is an entry in ClinVar:

ClinVar aggregate classification (germline): Uncertain significance. Review status: criteria provided, multiple submitters, no conflicts (2 of 4 stars). 2 submissions from 2 submitters: Uncertain significance (2). Last evaluated 2026-08-09.

Conditions:
Hereditary cancer-predisposing syndrome. Also called: Tumor predisposition; Hereditary neoplastic syndrome; Neoplastic Syndromes, Hereditary; Hereditary Cancer Syndrome. Identifiers: Orphanet 140162, MedGen C0027672, MeSH D009386, MONDO:0015356.
Tuberous sclerosis 1 (TSC1). Identifiers: Orphanet 805, MedGen C1854465, MONDO:0008612, OMIM 191100.

Allele frequency attached by ClinVar (database versions not stated): gnomAD exomes below 0.00001.
gnomAD v4.1: 1 of 1,613,930 alleles (0.000062%); highest among the groups gnomAD compares: Non-Finnish European, 0.000085%; no homozygotes.

Submissions (2):

Ambry Genetics
Classification: Uncertain significance for Hereditary cancer-predisposing syndrome. Last evaluated: 2026-08-09. Review status: criteria provided, single submitter. Criteria: Ambry Variant Classification Scheme 2023. Collection method: clinical testing. Allele origin: germline.
Comment: The p.H699Y variant (also known as c.2095C>T), located in coding exon 15 of the TSC1 gene, results from a C to T substitution at nucleotide position 2095. The histidine at codon 699 is replaced by tyrosine, an amino acid with similar properties. This amino acid position is conserved. In addition, this alteration is predicted to be deleterious by in silico analysis. Based on the available evidence, the clinical significance of this variant remains unclear.

Labcorp Genetics (formerly Invitae), Labcorp
Classification: Uncertain significance for Tuberous sclerosis 1. Last evaluated: 2025-06-30. Review status: criteria provided, single submitter. Criteria: Invitae Variant Classification Sherloc (09022015). Collection method: clinical testing. Allele origin: germline.
Comment: This sequence change replaces histidine, which is basic and polar, with tyrosine, which is neutral and polar, at codon 699 of the TSC1 protein (p.His699Tyr). This variant is not present in population databases (gnomAD no frequency). This variant has not been reported in the literature in individuals affected with TSC1-related conditions. ClinVar contains an entry for this variant (Variation ID: 858567). Invitae Evidence Modeling of protein sequence and biophysical properties (such as structural, functional, and spatial information, amino acid conservation, physicochemical variation, residue mobility, and thermodynamic stability) indicates that this missense variant is not expected to disrupt TSC1 protein function with a negative predictive value of 95%. In summary, the available evidence is currently insufficient to determine the role of this variant in disease. Therefore, it has been classified as a Variant of Uncertain Significance.

NM_000368.5(TSC1):c.2095C>T (p.His699Tyr)

Gene: TSC1 (TSC complex subunit 1; minus strand). Cytogenetic location: 9q34.13.
Variant type: single nucleotide variant.
Coding change: c.2095C>T on transcript NM_000368.5 (MANE Select); coding-DNA position 2095, C replaced by T.
Protein change: p.His699Tyr; replaces histidine 699 with tyrosine.
Molecular consequence: missense variant.
Genome position (GRCh38, 1-based): chr9:132,903,764, G>A on the plus strand (C>T on the coding strand, the complement: TSC1 is on the minus strand). VCF-style: chr9-132903764-G-A. GRCh37 (hg19) VCF-style: chr9-135779151-G-A.
Other names: c.2092C>T, p.His698Tyr (NM_001162426.2); c.1942C>T, p.His648Tyr (NM_001162427.2); c.1732C>T, p.His578Tyr (NM_001362177.2); short protein forms H648Y, H698Y, H699Y, H578Y.
Identifiers: ClinVar variation 858567 (VCV000858567.10), dbSNP rs1845505547, ClinGen allele CA375361067.